The following is an entry in ClinVar:

NM_000297.4(PKD2):c.92C>T (p.Ala31Val)

Genes: PKD2 (polycystin 2, transient receptor potential cation channel; plus strand), LOC129992813 (ATAC-STARR-seq lymphoblastoid silent region 15559; plus strand). Cytogenetic location: 4q22.1.
Variant type: single nucleotide variant.
Coding change: c.92C>T on transcript NM_000297.4 (MANE Select); coding-DNA position 92, C replaced by T.
Protein change: p.Ala31Val; replaces alanine 31 with valine.
Molecular consequence: missense variant. On other transcripts: non-coding transcript variant (1).
Genome position (GRCh38, 1-based): chr4:88,007,825, C>T. VCF-style: chr4-88007825-C-T. GRCh37 (hg19) VCF-style: chr4-88928977-C-T.
Other names: short protein forms A31V.
Identifiers: ClinVar variation 3604567 (VCV003604567.2).

ClinVar aggregate classification (germline): Uncertain significance (1 of 4 stars; one submission).

Conditions:
Autosomal dominant polycystic kidney disease. Identifiers: Orphanet 730, MedGen C0085413, MONDO:0004691.

Submission:

Labcorp Genetics (formerly Invitae), Labcorp
Classification: Uncertain significance for Autosomal dominant polycystic kidney disease. Last evaluated: 2024-04-04. Review status: criteria provided, single submitter. Criteria: Invitae Variant Classification Sherloc (09022015). Collection method: clinical testing. Allele origin: germline.
Comment: This sequence change replaces alanine, which is neutral and non-polar, with valine, which is neutral and non-polar, at codon 31 of the PKD2 protein (p.Ala31Val). The frequency data for this variant in the population databases is considered unreliable, as metrics indicate insufficient coverage at this position in the gnomAD database. This variant has not been reported in the literature in individuals affected with PKD2-related conditions. An algorithm developed to predict the effect of missense changes on protein structure and function (PolyPhen-2) suggests that this variant is likely to be tolerated. In summary, the available evidence is currently insufficient to determine the role of this variant in disease. Therefore, it has been classified as a Variant of Uncertain Significance.